The following is an entry in ClinVar:

ClinVar aggregate classification (germline): Uncertain significance (1 of 4 stars; one submission).

Submission:

Labcorp Genetics (formerly Invitae), Labcorp
Classification: Uncertain significance. Last evaluated: 2025-10-26. Review status: criteria provided, single submitter. Criteria: Invitae Variant Classification Sherloc (09022015). Collection method: clinical testing. Allele origin: germline.
Comment: This sequence change replaces proline, which is neutral and non-polar, with leucine, which is neutral and non-polar, at codon 710 of the HIVEP2 protein (p.Pro710Leu). This variant is not present in population databases (gnomAD no frequency). This variant has not been reported in the literature in individuals affected with HIVEP2-related conditions. Invitae Evidence Modeling of protein sequence and biophysical properties (such as structural, functional, and spatial information, amino acid conservation, physicochemical variation, residue mobility, and thermodynamic stability) indicates that this missense variant is not expected to disrupt HIVEP2 protein function with a negative predictive value of 80%. In summary, the available evidence is currently insufficient to determine the role of this variant in disease. Therefore, it has been classified as a Variant of Uncertain Significance.

NM_006734.4(HIVEP2):c.2129C>T (p.Pro710Leu)

Gene: HIVEP2 (HIVEP zinc finger 2; minus strand). Cytogenetic location: 6q24.2.
Variant type: single nucleotide variant.
Coding change: c.2129C>T on transcript NM_006734.4 (MANE Select); coding-DNA position 2129, C replaced by T.
Protein change: p.Pro710Leu; replaces proline 710 with leucine.
Molecular consequence: missense variant.
Genome position (GRCh38, 1-based): chr6:142,772,610, G>A on the plus strand (C>T on the coding strand, the complement: HIVEP2 is on the minus strand). VCF-style: chr6-142772610-G-A. GRCh37 (hg19) VCF-style: chr6-143093747-G-A.
Other names: c.2129C>T, p.Pro710Leu (NM_001438449.1, NM_001438450.1, NM_001438451.1); short protein forms P710L.
Identifiers: ClinVar variation 4782116 (VCV004782116.1).
Genomic context (GRCh38, chr6:142,772,610, plus strand): 5'-GGGTCATAATCGGAAGCCATGATGCCCACAGGAGTGCTTACAATGCTGCTGCAGATCATG[G>A]GCGTGTCCTCTTCATCCCCTACGCTCTTCTCTTTCCGGCGTTTCCTGTTTTCACAGGTAG-3'
Protein context (NP_006725.3, residues 700-720): EKSVGDEEDT[Pro710Leu]MICSSIVSTP